The following is an entry in ClinVar:

ClinVar aggregate classification (germline): Uncertain significance (1 of 4 stars; one submission).

Submission:

Labcorp Genetics (formerly Invitae), Labcorp
Classification: Uncertain significance. Last evaluated: 2022-09-03. Review status: criteria provided, single submitter. Criteria: Invitae Variant Classification Sherloc (09022015). Collection method: clinical testing. Allele origin: germline.
Comment: In summary, the available evidence is currently insufficient to determine the role of this variant in disease. Therefore, it has been classified as a Variant of Uncertain Significance. Algorithms developed to predict the effect of missense changes on protein structure and function (SIFT, PolyPhen-2, Align-GVGD) all suggest that this variant is likely to be disruptive. This variant has not been reported in the literature in individuals affected with TBX20-related conditions. This variant is not present in population databases (gnomAD no frequency). This sequence change replaces tryptophan, which is neutral and slightly polar, with cysteine, which is neutral and slightly polar, at codon 169 of the TBX20 protein (p.Trp169Cys).

NM_001077653.2(TBX20):c.507G>C (p.Trp169Cys)

Gene: TBX20 (T-box transcription factor 20; minus strand). Cytogenetic location: 7p14.2.
Variant type: single nucleotide variant.
Coding change: c.507G>C on transcript NM_001077653.2 (MANE Select); coding-DNA position 507, G replaced by C.
Protein change: p.Trp169Cys; replaces tryptophan 169 with cysteine.
Molecular consequence: missense variant.
Genome position (GRCh38, 1-based): chr7:35,248,715, C>G on the plus strand (G>C on the coding strand, the complement: TBX20 is on the minus strand). VCF-style: chr7-35248715-C-G. GRCh37 (hg19) VCF-style: chr7-35288327-C-G.
Other names: c.507G>C, p.Trp169Cys (NM_001166220.1); short protein forms W169C.
Identifiers: ClinVar variation 2003831 (VCV002003831.4), dbSNP rs2546996379, ClinGen allele CA367264590.